The following is an entry in ClinVar:

ClinVar aggregate classification (germline): Uncertain significance (1 of 4 stars; one submission).

Conditions:
Paget disease of bone 2, early-onset (PDB2). Also called: Paget disease of bone 2. Identifiers: MedGen C4085251, MONDO:0011183, OMIM 602080.
Frontotemporal dementia and/or amyotrophic lateral sclerosis 1 (FTDALS1). Also called: Frontotemporal dementia with motor neuron disease 1; C9orf72 Frontotemporal Dementia and/or Amyotrophic Lateral Sclerosis. Identifiers: Orphanet 275872, MedGen C5779877, MONDO:0007105, OMIM 105550.

Allele frequency attached by ClinVar (database versions not stated): gnomAD exomes below 0.00001.
gnomAD v4.1: 1 of 1,613,544 alleles (0.000062%); highest among the groups gnomAD compares: Non-Finnish European, 0.000085%; no homozygotes.

Submission:

Labcorp Genetics (formerly Invitae), Labcorp
Classification: Uncertain significance for Paget disease of bone 2, early-onset; Frontotemporal dementia and/or amyotrophic lateral sclerosis 1. Last evaluated: 2024-02-17. Review status: criteria provided, single submitter. Criteria: Invitae Variant Classification Sherloc (09022015). Collection method: clinical testing. Allele origin: germline.
Comment: This sequence change replaces leucine, which is neutral and non-polar, with proline, which is neutral and non-polar, at codon 251 of the SQSTM1 protein (p.Leu251Pro). This variant is present in population databases (no rsID available, gnomAD 0.0009%). This variant has not been reported in the literature in individuals affected with SQSTM1-related conditions. An algorithm developed to predict the effect of missense changes on protein structure and function (PolyPhen-2) suggests that this variant is likely to be disruptive. In summary, the available evidence is currently insufficient to determine the role of this variant in disease. Therefore, it has been classified as a Variant of Uncertain Significance.

NM_003900.5(SQSTM1):c.752T>C (p.Leu251Pro)

Gene: SQSTM1 (sequestosome 1; plus strand). Cytogenetic location: 5q35.3.
Variant type: single nucleotide variant.
Coding change: c.752T>C on transcript NM_003900.5 (MANE Select); coding-DNA position 752, T replaced by C.
Protein change: p.Leu251Pro; replaces leucine 251 with proline.
Molecular consequence: missense variant.
Genome position (GRCh38, 1-based): chr5:179,825,224, T>C. VCF-style: chr5-179825224-T-C. GRCh37 (hg19) VCF-style: chr5-179252224-T-C.
Other names: c.500T>C, p.Leu167Pro (NM_001142298.2, NM_001142299.2); short protein forms L251P, L167P.
Identifiers: ClinVar variation 2923347 (VCV002923347.3), dbSNP rs1296718072, ClinGen allele CA362446800.
Genomic context (GRCh38, chr5:179,825,224, plus strand): 5'-ATCCGAGTGTGAATTTCCTGAAGAACGTTGGGGAGAGTGTGGCAGCTGCCCTTAGCCCTC[T>C]GGGTGAGTGCACCTCCTTGCCCAGTGCTTCCCTAACTCAGCCTGCACTTTATGTAACTTT-3'
Protein context (NP_003891.1, residues 241-261): GESVAAALSP[Leu251Pro]GIEVDIDVEH